The following is an entry in ClinVar:

NM_003024.3(ITSN1):c.4865A>C (p.Glu1622Ala)

Gene: ITSN1 (intersectin 1; plus strand). Cytogenetic location: 21q22.11.
Variant type: single nucleotide variant.
Coding change: c.4865A>C on transcript NM_003024.3 (MANE Select); coding-DNA position 4865, A replaced by C.
Protein change: p.Glu1622Ala; replaces glutamic acid 1622 with alanine.
Molecular consequence: missense variant.
Genome position (GRCh38, 1-based): chr21:33,886,308, A>C. VCF-style: chr21-33886308-A-C. GRCh37 (hg19) VCF-style: chr21-35258612-A-C.
Other names: c.4850A>C, p.Glu1617Ala (NM_001331010.2); short protein forms E1617A, E1622A.
Identifiers: ClinVar variation 5008904 (VCV005008904.1).
Genomic context (GRCh38, chr21:33,886,308, plus strand): 5'-GTGTGAGTTCCACCTGGCGAAGGCTTTTGTTCCCTCCAGGAAAGAGCAACCCGTACTGTG[A>C]GGTGACCATGGGTTCCCAGTGCCACATCACCAAGACGATCCAGGACACTCTGAACCCCAA-3'
Protein context (NP_003015.2, residues 1612-1632): RSHGKSNPYC[Glu1622Ala]VTMGSQCHIT

ClinVar aggregate classification (germline): Uncertain significance (1 of 4 stars; one submission).

Submission:

GeneDx
Classification: Uncertain significance. Last evaluated: 2026-02-13. Review status: criteria provided, single submitter. Criteria: GeneDx Variant Classification Process June 2021. Collection method: clinical testing. Allele origin: germline.
Comment: Not observed at significant frequency in large population cohorts (gnomAD); In silico analysis supports that this missense variant has a deleterious effect on protein structure/function; Has not been previously published as pathogenic or benign to our knowledge